The following is an entry in ClinVar:

ClinVar aggregate classification (germline): Pathogenic. Review status: criteria provided, multiple submitters, no conflicts (2 of 4 stars). 9 submissions from 9 submitters: Pathogenic (9). Last evaluated 2026-03-23.

Conditions:
Hereditary cancer-predisposing syndrome. Also called: Neoplastic Syndromes, Hereditary; Hereditary neoplastic syndrome; Tumor predisposition; Hereditary Cancer Syndrome. Identifiers: Orphanet 140162, MedGen C0027672, MeSH D009386, MONDO:0015356.
Ataxia-telangiectasia syndrome (AT). Also called: Ataxia telangiectasia (A-T); Cerebello-oculocutaneous telangiectasia; Immunodeficiency with ataxia telangiectasia; LOUIS-BAR SYNDROME; AT, COMPLEMENTATION GROUP C; ATAXIA-TELANGIECTASIA, FRESNO VARIANT. Identifiers: Orphanet 100, MedGen C0004135, MONDO:0008840, OMIM 208900.
Familial cancer of breast. Also called: hereditary breast carcinoma; Hereditary breast cancer; BREAST CANCER, FAMILIAL. Identifiers: Orphanet 227535, MedGen C0346153, MONDO:0016419, OMIM 114480. Disease mechanism: loss of function.

Allele frequency attached by ClinVar (database versions not stated): gnomAD exomes below 0.00001.

Submissions (9):

Institute of Human Genetics, University of Leipzig Medical Center
Classification: Pathogenic for Familial cancer of breast. Last evaluated: 2026-03-23. Review status: criteria provided, single submitter. Criteria: ACMG Guidelines, 2015. Collection method: clinical testing. Allele origin: maternal. Inheritance: Autosomal dominant inheritance. Affected: yes.
Comment: Criteria applied: PVS1,PM3_STR,PM2_SUP,PM5_SUP

Labcorp Genetics (formerly Invitae), Labcorp
Classification: Pathogenic for Ataxia-telangiectasia syndrome. Last evaluated: 2026-01-26. Review status: criteria provided, single submitter. Criteria: Invitae Variant Classification Sherloc (09022015). Collection method: clinical testing. Allele origin: germline.
Comment: This sequence change creates a premature translational stop signal (p.Arg2763*) in the ATM gene. It is expected to result in an absent or disrupted protein product. Loss-of-function variants in ATM are known to be pathogenic (PMID: 23807571, 25614872). This variant is not present in population databases (gnomAD no frequency). This premature translational stop signal has been observed in individual(s) with ataxia-telangiectasia (PMID: 17910737, 26628246). ClinVar contains an entry for this variant (Variation ID: 232612). Algorithms developed to predict the effect of sequence changes on RNA splicing suggest that this variant may disrupt the consensus splice site. For these reasons, this variant has been classified as Pathogenic.

CeGaT Center for Human Genetics Tuebingen
Classification: Pathogenic. Last evaluated: 2025-06-01. Review status: criteria provided, single submitter. Criteria: CeGaT Center For Human Genetics Tuebingen Variant Classification Criteria Version 2. Collection method: clinical testing. Allele origin: germline. Affected: yes. Observed: 2 variant alleles.
Comment: ATM: PVS1, PM2, PS4:Moderate

Ambry Genetics
Classification: Pathogenic for Hereditary cancer-predisposing syndrome. Last evaluated: 2025-05-29. Review status: criteria provided, single submitter. Criteria: Ambry Variant Classification Scheme 2023. Collection method: clinical testing. Allele origin: germline.
Comment: The p.R2763* pathogenic mutation (also known as c.8287C>T) located in coding exon 56 of the ATM gene, results from a C to T substitution at nucleotide position 8287. This changes the amino acid from an arginine to a stop codon within coding exon 56. This mutation has been identified in patients with ataxia telangiectasia (Cavalieri S et al, Ann. Hum. Genet. 2008 Jan; 72 (Pt 1):10-8; Liu XL et al. Neurosci. Lett. 2016 Jan;611:112-5) and also in a breast cancer cohort (Decker B et al. J. Med. Genet. 2017 Nov;54(11):732-741). This variant is considered to be rare based on population cohorts in the Genome Aggregation Database (gnomAD). In addition to the clinical data presented in the literature, this alteration is expected to result in loss of function by premature protein truncation or nonsense-mediated mRNA decay. As such, this alteration is interpreted as a disease-causing mutation.

Natera, Inc.
Classification: Pathogenic for Ataxia-telangiectasia. Last evaluated: 2025-02-17. Review status: criteria provided, single submitter. Criteria: Natera Variant Classification Schema (03/2026). Collection method: clinical testing. Allele origin: germline.
Comment: The c.8287C>T variant in ATM is a nonsense variant predicted to introduce a stop codon at amino acid 2763. This variant is expected to result in nonsense mediated decay, truncation, or a dysfunctional protein product. This variant is rare in the general population with a frequency below the threshold expected for the associated phenotype(s). This variant has been observed in one or more individuals affected with the associated recessive disease, as either homozygous or compound heterozygous with a second variant (PMID: 26628246). Given the available evidence, this variant is classified as Pathogenic.

Mayo Clinic Laboratories, Mayo Clinic
Classification: Pathogenic. Last evaluated: 2024-05-20. Review status: criteria provided, single submitter. Criteria: ACMG Guidelines, 2015. Collection method: clinical testing. Allele origin: germline. Observed: 2 variant alleles.
Comment: PP1, PM2, PM3, PVS1

Myriad Genetics, Inc.
Classification: Pathogenic for Familial cancer of breast. Last evaluated: 2024-02-01. Review status: criteria provided, single submitter. Criteria: Myriad Autosomal Dominant, Autosomal Recessive and X-Linked Classification Criteria (2023). Collection method: clinical testing. Allele origin: unknown.
Comment: This variant is considered pathogenic. This variant creates a termination codon and is predicted to result in premature protein truncation.

GeneDx
Classification: Pathogenic. Last evaluated: 2019-10-21. Review status: criteria provided, single submitter. Criteria: GeneDx Variant Classification Process June 2021. Collection method: clinical testing. Allele origin: germline. Affected: yes.
Comment: Nonsense variant predicted to result in protein truncation or nonsense mediated decay in a gene for which loss-of-function is a known mechanism of disease; Observed in the heterozygous state in individuals with a personal history of breast cancer (Decker 2017); Not observed in large population cohorts (Lek et al., 2016); This variant is associated with the following publications: (PMID: 28716242, 22927201, 30772474, 18431795, 28779002, 17910737, 25525159, 26628246)

Women's Health and Genetics/Laboratory Corporation of America, LabCorp
Classification: Pathogenic for Ataxia-telangiectasia syndrome. Last evaluated: 2017-04-21. Review status: criteria provided, single submitter. Criteria: LabCorp Variant Classification Summary - May 2015. Collection method: clinical testing. Allele origin: germline.
Comment: Variant summary: The ATM c.8287C>T (p.Arg2763X) variant results in a premature termination codon, predicted to cause a truncated or absent ATM protein due to nonsense mediated decay, which are commonly known mechanisms for disease. Truncations nearby or downstream of this position have been classified as pathogenic by our laboratory (e.g., c. 8266A>T [p.Lys2756X] and c.8977C>T [p.Arg2993X]). One in silico tool predicts a damaging outcome for this variant. This variant is absent from the large control database ExAC (0/121368 control chromosomes), but has been identified in several patients diagnosed with ataxia telangiectasia as a compound heterozygote, including cosegregating within a family (Porcedda_2008; Liu_2016). In addition, a clinical diagnostic laboratory has classified this variant as pathogenic. Taken together, this variant is classified as pathogenic.

Literature cited by the submitters: PubMed 23807571 (cited by Labcorp Genetics (formerly Invitae), Labcorp); PubMed 25614872 (cited by Labcorp Genetics (formerly Invitae), Labcorp); PubMed 17910737 (cited by 4 submitters); PubMed 26628246 (cited by 4 submitters); PubMed 30113886 (cited by Mayo Clinic Laboratories, Mayo Clinic); PubMed 30772474 (cited by Mayo Clinic Laboratories, Mayo Clinic); PubMed 37331604 (cited by Mayo Clinic Laboratories, Mayo Clinic); PubMed 37581139 (cited by Mayo Clinic Laboratories, Mayo Clinic); PubMed 38355628 (cited by Mayo Clinic Laboratories, Mayo Clinic); PubMed 22895193 (cited by Women's Health and Genetics/Laboratory Corporation of America, LabCorp); PubMed 18431795 (cited by Women's Health and Genetics/Laboratory Corporation of America, LabCorp).

NM_000051.4(ATM):c.8287C>T (p.Arg2763Ter)

Genes: ATM (ATM serine/threonine kinase; plus strand), C11orf65 (chromosome 11 open reading frame 65; minus strand). Cytogenetic location: 11q22.3.
Variant type: single nucleotide variant.
Coding change: c.8287C>T on transcript NM_000051.4 (MANE Select); coding-DNA position 8287, C replaced by T.
Protein change: p.Arg2763Ter; replaces arginine 2763 with a stop codon.
Molecular consequence: nonsense. On other transcripts: intron variant (2).
Genome position (GRCh38, 1-based): chr11:108,343,240, C>T. VCF-style: chr11-108343240-C-T. GRCh37 (hg19) VCF-style: chr11-108213967-C-T.
Other names: p.Arg2763*; c.8287C>T, p.Arg2763Ter (NM_001351834.2); c.641-34169G>A (NM_001330368.2); c.695-7948G>A (NM_001351110.2); short protein forms R2763*.
Identifiers: ClinVar variation 232612 (VCV000232612.50), dbSNP rs876659872, ClinGen allele CA10579294.
Genomic context (GRCh38, chr11:108,343,240, plus strand): 5'-ATGGCCTTTTAAAATTAAAAGGTATTTAATCTGTAACTCCAGGTGGTTCCCCTCTCTCAG[C>T]GAAGTGGTGTTCTTGAATGGTGCACAGGAACTGTCCCCATTGGTGAATTTCTTGTTAACA-3'